The following is an entry in ClinVar:

NM_199242.3(UNC13D):c.2761C>G (p.Arg921Gly)

Genes: UNC13D (unc-13 homolog D; minus strand), LOC112533672 (Sharpr-MPRA regulatory region 1193; plus strand). Cytogenetic location: 17q25.1.
Variant type: single nucleotide variant.
Coding change: c.2761C>G on transcript NM_199242.3 (MANE Select); coding-DNA position 2761, C replaced by G.
Protein change: p.Arg921Gly; replaces arginine 921 with glycine.
Molecular consequence: missense variant.
Genome position (GRCh38, 1-based): chr17:75,830,431, G>C on the plus strand (C>G on the coding strand, the complement: UNC13D is on the minus strand). VCF-style: chr17-75830431-G-C. GRCh37 (hg19) VCF-style: chr17-73826512-G-C.
Other names: short protein forms R921G.
Identifiers: ClinVar variation 2002594 (VCV002002594.3), dbSNP rs373079371, ClinGen allele CA401079949.

ClinVar aggregate classification (germline): Uncertain significance (1 of 4 stars; one submission).

Conditions:
Familial hemophagocytic lymphohistiocytosis 3 (FHL3). Also called: UNC13D-Related Familial Hemophagocytic Lymphohistiocytosis (UNC13D-fHLH). Identifiers: Orphanet 540, MedGen C1837174, MONDO:0012146, OMIM 608898.

gnomAD v4.1: 8 of 1,585,614 alleles (0.0005%); highest among the groups gnomAD compares: Admixed American, 0.013%; no homozygotes.

Submission:

Labcorp Genetics (formerly Invitae), Labcorp
Classification: Uncertain significance for Familial hemophagocytic lymphohistiocytosis 3. Last evaluated: 2024-03-04. Review status: criteria provided, single submitter. Criteria: Invitae Variant Classification Sherloc (09022015). Collection method: clinical testing. Allele origin: germline.
Comment: This sequence change replaces arginine, which is basic and polar, with glycine, which is neutral and non-polar, at codon 921 of the UNC13D protein (p.Arg921Gly). This variant is present in population databases (no rsID available, gnomAD 0.02%). This variant has not been reported in the literature in individuals affected with UNC13D-related conditions. ClinVar contains an entry for this variant (Variation ID: 2002594). Advanced modeling of protein sequence and biophysical properties (such as structural, functional, and spatial information, amino acid conservation, physicochemical variation, residue mobility, and thermodynamic stability) has been performed at Invitae for this missense variant, however the output from this modeling did not meet the statistical confidence thresholds required to predict the impact of this variant on UNC13D protein function. In summary, the available evidence is currently insufficient to determine the role of this variant in disease. Therefore, it has been classified as a Variant of Uncertain Significance.